The following is an entry in ClinVar:

ClinVar aggregate classification (germline): Likely benign. Review status: criteria provided, multiple submitters, no conflicts (2 of 4 stars). 2 submissions from 2 submitters: Likely benign (2). Last evaluated 2026-04-30.

Conditions:
TRIO-related disorder. Also called: TRIO-related condition; TRIO-related disorders.

Allele frequency attached by ClinVar (database versions not stated): ExAC 0.00002; TOPMed 0.00003; gnomAD 0.00005; ESP Exome Variant Server 0.00008.
gnomAD v4.1: 63 of 1,613,780 alleles (0.0039%); highest among the groups gnomAD compares: East Asian, 0.0067%; no homozygotes.

Submissions (2):

PreventionGenetics, part of Exact Sciences
Classification: Likely benign for TRIO-related condition. Last evaluated: 2026-04-30. Review status: criteria provided, single submitter. Criteria: ACMG Guidelines, 2015. Collection method: clinical testing. Allele origin: germline.
Comment: This variant is classified as likely benign based on ACMG/AMP sequence variant interpretation guidelines (Richards et al. 2015 PMID: 25741868, with internal and published modifications).

CeGaT Center for Human Genetics Tuebingen
Classification: Likely benign. Last evaluated: 2023-11-01. Review status: criteria provided, single submitter. Criteria: CeGaT Center For Human Genetics Tuebingen Variant Classification Criteria Version 2. Collection method: clinical testing. Allele origin: germline. Affected: yes. Observed: 1 variant allele.
Comment: TRIO: BP4, BP7

NM_007118.4(TRIO):c.5712G>A (p.Pro1904=)

Gene: TRIO (trio Rho guanine nucleotide exchange factor; plus strand). Cytogenetic location: 5p15.2.
Variant type: single nucleotide variant.
Coding change: c.5712G>A on transcript NM_007118.4 (MANE Select); coding-DNA position 5712, G replaced by A.
Protein change: p.Pro1904=; no amino-acid change (proline 1904 retained).
Molecular consequence: synonymous variant. On other transcripts: non-coding transcript variant (1).
Genome position (GRCh38, 1-based): chr5:14,465,589, G>A. VCF-style: chr5-14465589-G-A. GRCh37 (hg19) VCF-style: chr5-14465698-G-A.
Other names: c.5712G>A (NM_007118.3).
Identifiers: ClinVar variation 2673007 (VCV002673007.24), dbSNP rs374550843, ClinGen allele CA3206824.